The following is an entry in ClinVar:

ClinVar aggregate classification (germline): Pathogenic/Likely pathogenic. Review status: criteria provided, multiple submitters, no conflicts (2 of 4 stars). 5 submissions from 5 submitters: Pathogenic (2); Likely pathogenic (2). 1 of the submissions does not count toward it. Last evaluated 2025-10-14.

Conditions:
Hypotonia, infantile, with psychomotor retardation and characteristic facies 2 (IHPRF2). Also called: UNC80 Deficiency. Identifiers: Orphanet 371364, Orphanet 700333, MedGen C4225203, MONDO:0014777, OMIM 616801.
Encephalopathy. Also called: Unspecified encephalopathy. Identifiers: MedGen C0085584, HP:0001298.

Allele frequency attached by ClinVar (database versions not stated): gnomAD exomes 0.00001.
gnomAD v4.1: 7 of 1,551,568 alleles (0.00045%); highest among the groups gnomAD compares: Admixed American, 0.002%; no homozygotes.

Submissions (5):

3billion
Classification: Pathogenic for Hypotonia, infantile, with psychomotor retardation and characteristic facies 2. Last evaluated: 2025-10-14. Review status: criteria provided, single submitter. Criteria: ACMG Guidelines, 2015. Collection method: clinical testing. Allele origin: germline. Affected: yes.
Comment: The variant is observed at an extremely low frequency in the gnomAD v4.1.0 dataset (total allele frequency: <0.001%). Predicted Consequence/Location: Stop-gained (nonsense): predicted to result in a loss or disruption of normal protein function through nonsense-mediated decay (NMD) or protein truncation. Multiple pathogenic variants are reported downstream of the variant. The variant has been reported at least twice as pathogenic without evidence for the classification (ClinVar ID: VCV000219188 /PMID: 26708753). Therefore, this variant is classified as Pathogenic according to the recommendation of ACMG/AMP guideline.

GeneDx
Classification: Pathogenic. Last evaluated: 2023-08-22. Review status: criteria provided, single submitter. Criteria: GeneDx Variant Classification Process June 2021. Collection method: clinical testing. Allele origin: germline. Affected: yes.
Comment: Nonsense variant predicted to result in protein truncation or nonsense mediated decay in a gene for which loss of function is a known mechanism of disease; Not observed at significant frequency in large population cohorts (gnomAD); This variant is associated with the following publications: (PMID: 32552793, 33101984, 26708753)

Genomic Medicine Center of Excellence, King Faisal Specialist Hospital and Research Centre
Classification: Likely pathogenic for Encephalopathy. Last evaluated: 2015-03-19. Review status: criteria provided, single submitter. Criteria: Submitter's publication. Collection method: research. Allele origin: germline. Affected: yes. Observed: 3 homozygotes.

Pathology and Clinical Laboratory Medicine, King Fahad Medical City
Classification: Likely pathogenic for Hypotonia, infantile, with psychomotor retardation and characteristic facies 2. Review status: criteria provided, single submitter. Criteria: ACMG Guidelines, 2015. Collection method: clinical testing. Allele origin: germline. Affected: yes. Observed: 1 variant allele.

OMIM
Classification: Pathogenic for HYPOTONIA, INFANTILE, WITH PSYCHOMOTOR RETARDATION AND CHARACTERISTIC FACIES 2. Last evaluated: 2016-01-07. Review status: no assertion criteria provided. Collection method: literature only. Allele origin: germline. Not counted in ClinVar's aggregate classification.

Literature cited by the submitters: PubMed 26708753 (cited by 3billion and OMIM).

NM_001371986.1(UNC80):c.3787C>T (p.Arg1263Ter)

Genes: UNC80 (unc-80 subunit of NALCN channel complex; plus strand), LOC121725110 (Sharpr-MPRA regulatory region 8902; plus strand). Cytogenetic location: 2q34.
Variant type: single nucleotide variant.
Coding change: c.3787C>T on transcript NM_001371986.1 (MANE Select); coding-DNA position 3787, C replaced by T.
Protein change: p.Arg1263Ter; replaces arginine 1263 with a stop codon.
Molecular consequence: nonsense.
Genome position (GRCh38, 1-based): chr2:209,872,917, C>T. VCF-style: chr2-209872917-C-T. GRCh37 (hg19) VCF-style: chr2-210737641-C-T.
Other names: c.3793C>T, p.Arg1265Ter (NM_032504.2); c.3778C>T, p.Arg1260Ter (NM_182587.4); short protein forms R1265*, R1260*, R1263*.
Identifiers: ClinVar variation 219188 (VCV000219188.4), dbSNP rs864321622, ClinGen allele CA279955.
Genomic context (GRCh38, chr2:209,872,917, plus strand): 5'-CACGTGAACATCACCAAGAAAGGACTTTCCCGGGGACGCTCTCCCATTGTGGGCAACAAG[C>T]GAAACCAGAAGCTGCAGTGGAATGCAGCCAAGCTCTTCTACCAATGGGGAGACGTGAGCT-3'